The following is an entry in ClinVar:

ClinVar aggregate classification (germline): Uncertain significance (1 of 4 stars; one submission).

Conditions:
Familial cancer of breast. Also called: hereditary breast carcinoma; BREAST CANCER, FAMILIAL; Hereditary breast cancer. Identifiers: Orphanet 227535, MedGen C0346153, MONDO:0016419, OMIM 114480. Disease mechanism: loss of function.

gnomAD v4.1: 1 of 1,614,150 alleles (0.000062%); highest among the groups gnomAD compares: African/African-American, 0.0013%; no homozygotes.

Submission:

Labcorp Genetics (formerly Invitae), Labcorp
Classification: Uncertain significance for Familial cancer of breast. Last evaluated: 2024-03-28. Review status: criteria provided, single submitter. Criteria: Invitae Variant Classification Sherloc (09022015). Collection method: clinical testing. Allele origin: germline.
Comment: This sequence change replaces isoleucine, which is neutral and non-polar, with threonine, which is neutral and polar, at codon 717 of the BARD1 protein (p.Ile717Thr). This variant is present in population databases (no rsID available, gnomAD 0.007%). This variant has not been reported in the literature in individuals affected with BARD1-related conditions. An algorithm developed to predict the effect of missense changes on protein structure and function (PolyPhen-2) suggests that this variant is likely to be disruptive. In summary, the available evidence is currently insufficient to determine the role of this variant in disease. Therefore, it has been classified as a Variant of Uncertain Significance.

NM_000465.4(BARD1):c.2150T>C (p.Ile717Thr)

Gene: BARD1 (BRCA1 associated RING domain 1; minus strand). Cytogenetic location: 2q35.
Variant type: single nucleotide variant.
Coding change: c.2150T>C on transcript NM_000465.4 (MANE Select); coding-DNA position 2150, T replaced by C.
Protein change: p.Ile717Thr; replaces isoleucine 717 with threonine.
Molecular consequence: missense variant. On other transcripts: non-coding transcript variant (3).
Genome position (GRCh38, 1-based): chr2:214,728,860, A>G on the plus strand (T>C on the coding strand, the complement: BARD1 is on the minus strand). VCF-style: chr2-214728860-A-G. GRCh37 (hg19) VCF-style: chr2-215593584-A-G.
Other names: c.2093T>C, p.Ile698Thr (NM_001282543.2); c.797T>C, p.Ile266Thr (NM_001282545.2); c.740T>C, p.Ile247Thr (NM_001282548.2); c.611T>C, p.Ile204Thr (NM_001282549.2); short protein forms I204T, I266T, I247T, I717T, I698T.
Identifiers: ClinVar variation 3647929 (VCV003647929.2).